The following is an entry in ClinVar:

NM_001267550.2(TTN):c.19431A>G (p.Gln6477=)

Gene: TTN (titin; minus strand). Cytogenetic location: 2q31.2.
Variant type: single nucleotide variant.
Coding change: c.19431A>G on transcript NM_001267550.2 (MANE Select); coding-DNA position 19431, A replaced by G.
Protein change: p.Gln6477=; no amino-acid change (glutamine 6477 retained).
Molecular consequence: synonymous variant. On other transcripts: intron variant (3).
Genome position (GRCh38, 1-based): chr2:178,728,393, T>C on the plus strand (A>G on the coding strand, the complement: TTN is on the minus strand). VCF-style: chr2-178728393-T-C. GRCh37 (hg19) VCF-style: chr2-179593120-T-C.
Other names: c.18480A>G, p.Gln6160= (NM_001256850.1); c.15699A>G, p.Gln5233= (NM_133378.4); c.13282+9689A>G (NM_003319.4); c.13858+9689A>G (NM_133437.4); c.13657+9689A>G (NM_133432.3).
Identifiers: ClinVar variation 4820538 (VCV004820538.1).

ClinVar aggregate classification (germline): Likely benign (1 of 4 stars; one submission).

Submission:

Molecular Diagnostic Laboratory for Inherited Cardiovascular Disease, Montreal Heart Institute
Classification: Likely benign. Last evaluated: 2026-03-27. Review status: criteria provided, single submitter. Criteria: ACMG Guidelines, 2015. Collection method: clinical testing. Allele origin: germline. Affected: no.
Comment: BP7